The following is an entry in ClinVar:

NM_000051.4(ATM):c.3774T>A (p.His1258Gln)

Gene: ATM (ATM serine/threonine kinase; plus strand). Cytogenetic location: 11q22.3.
Variant type: single nucleotide variant.
Coding change: c.3774T>A on transcript NM_000051.4 (MANE Select); coding-DNA position 3774, T replaced by A.
Protein change: p.His1258Gln; replaces histidine 1258 with glutamine.
Molecular consequence: missense variant.
Genome position (GRCh38, 1-based): chr11:108,284,254, T>A. VCF-style: chr11-108284254-T-A. GRCh37 (hg19) VCF-style: chr11-108154981-T-A.
Other names: c.3774T>A, p.His1258Gln (NM_001351834.2); short protein forms H1258Q.
Identifiers: ClinVar variation 186649 (VCV000186649.5), dbSNP rs786203114, ClinGen allele CA195438.

ClinVar aggregate classification (germline): Uncertain significance (1 of 4 stars; one submission).

Conditions:
Hereditary cancer-predisposing syndrome. Also called: Neoplastic Syndromes, Hereditary; Tumor predisposition; Hereditary Cancer Syndrome; Hereditary neoplastic syndrome. Identifiers: Orphanet 140162, MedGen C0027672, MeSH D009386, MONDO:0015356.

Submission:

Ambry Genetics
Classification: Uncertain significance for Hereditary cancer-predisposing syndrome. Last evaluated: 2016-09-09. Review status: criteria provided, single submitter. Criteria: Ambry Variant Classification Scheme 2023. Collection method: clinical testing. Allele origin: germline.
Comment: The p.H1258Q variant (also known as c.3774T>A), located in coding exon 25 of the ATM gene, results from a T to A substitution at nucleotide position 3774. The histidine at codon 1258 is replaced by glutamine, an amino acid with highly similar properties. This variant was not reported in population based cohorts in the following databases: Database of Single Nucleotide Polymorphisms (dbSNP), NHLBI Exome Sequencing Project (ESP), and 1000 Genomes Project. In the ESP, this variant was not observed in 6498 samples (12996 alleles) with coverage at this position. To date, this alteration has been detected with an allele frequency of approximately 0.001% (greater than 180000 alleles tested) in our clinical cohort. This amino acid position is well conserved in available vertebrate species. In addition, this alteration is predicted to be tolerated by in silico analysis. Since supporting evidence is limited at this time, the clinical significance of this alteration remains unclear.